The following is an entry in ClinVar:

ClinVar aggregate classification (germline): Pathogenic (1 of 4 stars; one submission).

Conditions:
Autosomal recessive limb-girdle muscular dystrophy type 2A (LGMDR1). Also called: MUSCULAR DYSTROPHY, PELVOFEMORAL; Limb-girdle muscular dystrophy, type 2A; Muscular dystrophy, limb-girdle, type 2A, Amish; Calpainopathy; LEYDEN-MOEBIUS MUSCULAR DYSTROPHY. Identifiers: Orphanet 267, MedGen C1869123, MONDO:0009675, OMIM 253600. Disease mechanism: loss of function.

Submission:

Labcorp Genetics (formerly Invitae), Labcorp
Classification: Pathogenic for Autosomal recessive limb-girdle muscular dystrophy type 2A. Last evaluated: 2022-10-03. Review status: criteria provided, single submitter. Criteria: Invitae Variant Classification Sherloc (09022015). Collection method: clinical testing. Allele origin: germline.
Comment: This variant is not present in population databases (gnomAD no frequency). This variant disrupts a region of the CAPN3 protein in which other variant(s) (p.Arg49Cys) have been determined to be pathogenic (PMID: 18055493, 18334579, 19285864, 19556129, 28403181). This suggests that this is a clinically significant region of the protein, and that variants that disrupt it are likely to be disease-causing. Disruption of the initiator codon has been observed in individual(s) with autosomal recessive limb-girdle muscular dystrophy (PMID: 25135358). This sequence change affects the initiator methionine of the CAPN3 mRNA. The next in-frame methionine is located at codon 228. For these reasons, this variant has been classified as Pathogenic.

Literature cited by the submitters: PubMed 18055493; PubMed 18334579; PubMed 19285864; PubMed 19556129; PubMed 28403181; PubMed 25135358.

NM_000070.3(CAPN3):c.3G>T (p.Met1Ile)

Gene: CAPN3 (calpain 3; plus strand). Cytogenetic location: 15q15.1.
Variant type: single nucleotide variant.
Coding change: c.3G>T on transcript NM_000070.3 (MANE Select); coding-DNA position 3, G replaced by T.
Protein change: p.Met1Ile; changes the start codon (methionine 1).
Molecular consequence: missense variant, initiator codon variant.
Genome position (GRCh38, 1-based): chr15:42,359,808, G>T. VCF-style: chr15-42359808-G-T. GRCh37 (hg19) VCF-style: chr15-42652006-G-T.
Other names: c.3G>T, p.Met1Ile (NM_024344.2, NM_173087.2); short protein forms M1I.
Identifiers: ClinVar variation 2032843 (VCV002032843.5), dbSNP rs2548224423, ClinGen allele CA391993760.
Genomic context (GRCh38, chr15:42,359,808, plus strand): 5'-TTGAAGGTAGCTGTATCTTATTTTCTTTAAAAAGCTTTTTCTTCCAAAGCCACTTGCCAT[G>T]CCGACCGTCATTAGCGCATCTGTGGCTCCAAGGACAGCGGCTGAGCCCCGGTCCCCAGGG-3'
Protein context (NP_000061.1, residues 1-11): [Met1Ile]PTVISASVAP